The following is an entry in ClinVar:

NM_000219.6(KCNE1):c.27G>T (p.Val9=)

Gene: KCNE1 (potassium voltage-gated channel subfamily E regulatory subunit 1; minus strand). Cytogenetic location: 21q22.12.
Variant type: single nucleotide variant.
Coding change: c.27G>T on transcript NM_000219.6 (MANE Select); coding-DNA position 27, G replaced by T.
Protein change: p.Val9=; no amino-acid change (valine 9 retained).
Molecular consequence: synonymous variant.
Genome position (GRCh38, 1-based): chr21:34,449,608, C>A on the plus strand (G>T on the coding strand, the complement: KCNE1 is on the minus strand). VCF-style: chr21-34449608-C-A. GRCh37 (hg19) VCF-style: chr21-35821906-C-A.
Other names: c.27G>T, p.Val9= (NM_001127668.4, NM_001127669.4, NM_001127670.4 and 4 more transcripts).
Identifiers: ClinVar variation 3374511 (VCV003374511.2).

Conditions:
Long QT syndrome 5 (LQT5). Identifiers: Orphanet 101016, Orphanet 768, MedGen C1867904, MONDO:0013372, OMIM 613695.

Submission:

Roden Lab, Vanderbilt University Medical Center
No classification provided (evidence only). Condition: Long QT syndrome 5. Review status: no classification provided. Collection method: in vitro. Allele origin: not applicable. Functional consequence: Effect on ion channel function.
ClinVar note: "not provided" was previously submitted as the classification for the variant. However, the classification appeared to be based only on an observation of functional data so it was converted to no classification on 2025-07-30.